The following is an entry in ClinVar:

NM_005228.5(EGFR):c.3526T>C (p.Phe1176Leu)

Gene: EGFR (epidermal growth factor receptor; plus strand). Cytogenetic location: 7p11.2.
Variant type: single nucleotide variant.
Coding change: c.3526T>C on transcript NM_005228.5 (MANE Select); coding-DNA position 3526, T replaced by C.
Protein change: p.Phe1176Leu; replaces phenylalanine 1176 with leucine.
Molecular consequence: missense variant.
Genome position (GRCh38, 1-based): chr7:55,205,510, T>C. VCF-style: chr7-55205510-T-C. GRCh37 (hg19) VCF-style: chr7-55273203-T-C.
Other names: c.3391T>C, p.Phe1131Leu (NM_001346899.2); c.3367T>C, p.Phe1123Leu (NM_001346900.2); c.2725T>C, p.Phe909Leu (NM_001346941.2); short protein forms F1123L, F1176L, F1131L, F909L.
Identifiers: ClinVar variation 3669028 (VCV003669028.3).

ClinVar aggregate classification (germline): Uncertain significance. Review status: criteria provided, multiple submitters, no conflicts (2 of 4 stars). 2 submissions from 2 submitters: Uncertain significance (2). Last evaluated 2025-05-29.

Conditions:
Hereditary cancer-predisposing syndrome. Also called: Hereditary Cancer Syndrome; Hereditary neoplastic syndrome; Neoplastic Syndromes, Hereditary; Tumor predisposition. Identifiers: Orphanet 140162, MedGen C0027672, MeSH D009386, MONDO:0015356.
EGFR-related lung cancer (EGFR). Identifiers: MedGen CN130014.

gnomAD v4.1: 1 of 1,614,214 alleles (0.000062%); no homozygotes.

Submissions (2):

Ambry Genetics
Classification: Uncertain significance for Hereditary cancer-predisposing syndrome. Last evaluated: 2025-05-29. Review status: criteria provided, single submitter. Criteria: Ambry Variant Classification Scheme 2023. Collection method: clinical testing. Allele origin: germline.
Comment: The p.F1176L variant (also known as c.3526T>C), located in coding exon 28 of the EGFR gene, results from a T to C substitution at nucleotide position 3526. The phenylalanine at codon 1176 is replaced by leucine, an amino acid with highly similar properties. This amino acid position is highly conserved in available vertebrate species. In addition, the in silico prediction for this alteration is inconclusive. Based on the available evidence, the clinical significance of this variant remains unclear.

Labcorp Genetics (formerly Invitae), Labcorp
Classification: Uncertain significance for EGFR-related lung cancer. Last evaluated: 2024-09-18. Review status: criteria provided, single submitter. Criteria: Invitae Variant Classification Sherloc (09022015). Collection method: clinical testing. Allele origin: germline.
Comment: This sequence change replaces phenylalanine, which is neutral and non-polar, with leucine, which is neutral and non-polar, at codon 1176 of the EGFR protein (p.Phe1176Leu). This variant is not present in population databases (gnomAD no frequency). This variant has not been reported in the literature in individuals affected with EGFR-related conditions. An algorithm developed to predict the effect of missense changes on protein structure and function (PolyPhen-2) suggests that this variant is likely to be tolerated. In summary, the available evidence is currently insufficient to determine the role of this variant in disease. Therefore, it has been classified as a Variant of Uncertain Significance.